The following is an entry in ClinVar:

NM_000186.4(CFH):c.3640T>A (p.Leu1214Met)

Gene: CFH (complement factor H; plus strand). Cytogenetic location: 1q31.3.
Variant type: single nucleotide variant.
Coding change: c.3640T>A on transcript NM_000186.4 (MANE Select); coding-DNA position 3640, T replaced by A.
Protein change: p.Leu1214Met; replaces leucine 1214 with methionine.
Molecular consequence: missense variant.
Genome position (GRCh38, 1-based): chr1:196,747,257, T>A. VCF-style: chr1-196747257-T-A. GRCh37 (hg19) VCF-style: chr1-196716387-T-A.
Other names: short protein forms L1214M.
Identifiers: ClinVar variation 3067683 (VCV003067683.22), dbSNP rs750755559, ClinGen allele CA1305993.

ClinVar aggregate classification (germline): Uncertain significance. Review status: criteria provided, multiple submitters, no conflicts (2 of 4 stars). 2 submissions from 2 submitters: Uncertain significance (2). Last evaluated 2024-03-01.

Allele frequency attached by ClinVar (database versions not stated): 1000 Genomes Project 30x 0.00016.
gnomAD v4.1: 11 of 1,614,016 alleles (0.00068%); highest among the groups gnomAD compares: East Asian, 0.025%; no homozygotes.

Submissions (2):

CeGaT Center for Human Genetics Tuebingen
Classification: Uncertain significance. Last evaluated: 2024-03-01. Review status: criteria provided, single submitter. Criteria: CeGaT Center For Human Genetics Tuebingen Variant Classification Criteria Version 2. Collection method: clinical testing. Allele origin: germline. Affected: yes. Observed: 1 variant allele.
Comment: CFH: PP2, BP4

Blueprint Genetics
Classification: Uncertain significance. Last evaluated: 2022-01-14. Review status: criteria provided, single submitter. Criteria: ACMG Guidelines, 2015. Collection method: clinical testing. Allele origin: germline.